The following is an entry in ClinVar:

ClinVar aggregate classification (germline): Uncertain significance (1 of 4 stars; one submission).

Conditions:
Acute myeloid leukemia (AML). Also called: Acute myeloid leukemia, adult; AML adult; Acute non-lymphocytic leukemia; Acute granulocytic leukemia; Leukemia, acute myeloid, somatic; Leukemia, acute myelogenous, somatic. Identifiers: Orphanet 519, MedGen C0023467, MeSH D015470, MONDO:0018874, OMIM 601626, HP:0004808. Disease mechanism: Constitutively activated FLT3.

Submission:

Labcorp Genetics (formerly Invitae), Labcorp
Classification: Uncertain significance for Acute myeloid leukemia. Last evaluated: 2023-06-15. Review status: criteria provided, single submitter. Criteria: Invitae Variant Classification Sherloc (09022015). Collection method: clinical testing. Allele origin: germline.
Comment: In summary, the available evidence is currently insufficient to determine the role of this variant in disease. Therefore, it has been classified as a Variant of Uncertain Significance. This variant has not been reported in the literature in individuals affected with CEBPA-related conditions. This variant is not present in population databases (gnomAD no frequency). This sequence change affects codon 202 of the CEBPA mRNA. It is a 'silent' change, meaning that it does not change the encoded amino acid sequence of the CEBPA protein.

NM_004364.5(CEBPA):c.606C>T (p.Ala202=)

Gene: CEBPA (CCAAT enhancer binding protein alpha; minus strand). Cytogenetic location: 19q13.11.
Variant type: single nucleotide variant.
Coding change: c.606C>T on transcript NM_004364.5 (MANE Select); coding-DNA position 606, C replaced by T.
Protein change: p.Ala202=; no amino-acid change (alanine 202 retained).
Molecular consequence: synonymous variant.
Genome position (GRCh38, 1-based): chr19:33,301,809, G>A on the plus strand (C>T on the coding strand, the complement: CEBPA is on the minus strand). VCF-style: chr19-33301809-G-A. GRCh37 (hg19) VCF-style: chr19-33792715-G-A.
Other names: c.249C>T, p.Ala83= (NM_001285829.2); c.711C>T, p.Ala237= (NM_001287424.2); c.564C>T, p.Ala188= (NM_001287435.2).
Identifiers: ClinVar variation 2819420 (VCV002819420.3), dbSNP rs1967176072, ClinGen allele CA507007460.